The following is an entry in ClinVar:

NM_000553.6(WRN):c.4052C>T (p.Ala1351Val)

Gene: WRN (WRN RecQ like helicase; plus strand). Cytogenetic location: 8p12.
Variant type: single nucleotide variant.
Coding change: c.4052C>T on transcript NM_000553.6 (MANE Select); coding-DNA position 4052, C replaced by T.
Protein change: p.Ala1351Val; replaces alanine 1351 with valine.
Molecular consequence: missense variant.
Genome position (GRCh38, 1-based): chr8:31,167,091, C>T. VCF-style: chr8-31167091-C-T. GRCh37 (hg19) VCF-style: chr8-31024607-C-T.
Other names: short protein forms A1351V.
Identifiers: ClinVar variation 3654013 (VCV003654013.2).

ClinVar aggregate classification (germline): Uncertain significance (1 of 4 stars; one submission).

Conditions:
Werner syndrome (WRN). Identifiers: Orphanet 902, MedGen C0043119, MONDO:0010196, OMIM 277700.

gnomAD v4.1: 3 of 1,613,382 alleles (0.00019%); highest among the groups gnomAD compares: Non-Finnish European, 0.00025%; no homozygotes.

Submission:

Labcorp Genetics (formerly Invitae), Labcorp
Classification: Uncertain significance for Werner syndrome. Last evaluated: 2024-05-21. Review status: criteria provided, single submitter. Criteria: Invitae Variant Classification Sherloc (09022015). Collection method: clinical testing. Allele origin: germline.
Comment: This sequence change replaces alanine, which is neutral and non-polar, with valine, which is neutral and non-polar, at codon 1351 of the WRN protein (p.Ala1351Val). The frequency data for this variant in the population databases is considered unreliable, as metrics indicate poor data quality at this position in the gnomAD database. This variant has not been reported in the literature in individuals affected with WRN-related conditions. Algorithms developed to predict the effect of missense changes on protein structure and function output the following: SIFT: "Not Available"; PolyPhen-2: "Benign"; Align-GVGD: "Not Available". The valine amino acid residue is found in multiple mammalian species, which suggests that this missense change does not adversely affect protein function. In summary, the available evidence is currently insufficient to determine the role of this variant in disease. Therefore, it has been classified as a Variant of Uncertain Significance.